The following is an entry in ClinVar:

NM_001127222.2(CACNA1A):c.1387G>A (p.Glu463Lys)

Gene: CACNA1A (calcium voltage-gated channel subunit alpha1 A; minus strand). Cytogenetic location: 19p13.13.
Variant type: single nucleotide variant.
Coding change: c.1387G>A on transcript NM_001127222.2 (MANE Select); coding-DNA position 1387, G replaced by A.
Protein change: p.Glu463Lys; replaces glutamic acid 463 with lysine.
Molecular consequence: missense variant.
Genome position (GRCh38, 1-based): chr19:13,317,280, C>T on the plus strand (G>A on the coding strand, the complement: CACNA1A is on the minus strand). VCF-style: chr19-13317280-C-T. GRCh37 (hg19) VCF-style: chr19-13428094-C-T.
Other names: c.1390G>A, p.Glu464Lys (NM_000068.4, NM_001127221.2, NM_001174080.2 and 1 more transcripts); short protein forms E463K, E464K.
Identifiers: ClinVar variation 2953382 (VCV002953382.3), dbSNP rs2512983261, ClinGen allele CA404345928.

ClinVar aggregate classification (germline): Uncertain significance (1 of 4 stars; one submission).

Conditions:
Episodic ataxia type 2 (EA2). Also called: CEREBELLAR ATAXIA, PAROXYSMAL, ACETAZOLAMIDE-RESPONSIVE; CEREBELLOPATHY, HEREDITARY PAROXYSMAL; EPISODIC ATAXIA, NYSTAGMUS-ASSOCIATED; ACETAZOLAMIDE-RESPONSIVE HEREDITARY PAROXYSMAL CEREBELLAR ATAXIA; ATAXIA, EPISODIC, WITH NYSTAGMUS; ATAXIA, FAMILIAL PAROXYSMAL. Identifiers: Orphanet 97, MedGen C1720416, MONDO:0007163, OMIM 108500.
Developmental and epileptic encephalopathy, 42 (DEE42A). Also called: Epileptic encephalopathy, early infantile, 42; DEVELOPMENTAL AND EPILEPTIC ENCEPHALOPATHY 42A; EPILEPTIC ENCEPHALOPATHY, EARLY INFANTILE, 42A. Identifiers: MedGen C4310716, MONDO:0014917, OMIM 617106.

Allele frequency attached by ClinVar (database versions not stated): gnomAD exomes below 0.00001.
gnomAD v4.1: 1 of 1,612,290 alleles (0.000062%); highest among the groups gnomAD compares: Non-Finnish European, 0.000085%; no homozygotes.

Submission:

Labcorp Genetics (formerly Invitae), Labcorp
Classification: Uncertain significance for Developmental and epileptic encephalopathy, 42; Episodic ataxia type 2. Last evaluated: 2023-10-29. Review status: criteria provided, single submitter. Criteria: Invitae Variant Classification Sherloc (09022015). Collection method: clinical testing. Allele origin: germline.
Comment: This sequence change replaces glutamic acid, which is acidic and polar, with lysine, which is basic and polar, at codon 464 of the CACNA1A protein (p.Glu464Lys). This variant is not present in population databases (gnomAD no frequency). This variant has not been reported in the literature in individuals affected with CACNA1A-related conditions. Advanced modeling of protein sequence and biophysical properties (such as structural, functional, and spatial information, amino acid conservation, physicochemical variation, residue mobility, and thermodynamic stability) has been performed at Invitae for this missense variant, however the output from this modeling did not meet the statistical confidence thresholds required to predict the impact of this variant on CACNA1A protein function. In summary, the available evidence is currently insufficient to determine the role of this variant in disease. Therefore, it has been classified as a Variant of Uncertain Significance.